The following is an entry in ClinVar:

ClinVar aggregate classification (germline): Likely pathogenic (1 of 4 stars; one submission).

Conditions:
CEP164-related disorder. Also called: CEP164-related condition.

gnomAD v4.1: 1 of 1,611,558 alleles (0.000062%); highest among the groups gnomAD compares: Non-Finnish European, 0.000085%; no homozygotes.

Submission:

PreventionGenetics, part of Exact Sciences
Classification: Likely pathogenic for CEP164-related condition. Last evaluated: 2026-01-13. Review status: criteria provided, single submitter. Criteria: ACMG Guidelines, 2015. Collection method: clinical testing. Allele origin: germline.
Comment: The CEP164 c.2339C>G variant is predicted to result in premature protein termination (p.Ser780*). To our knowledge, this variant has not been reported in the literature. This variant is reported in 0.00089% of alleles in individuals of European (Non-Finnish) descent in gnomAD. Nonsense variants in CEP164 are expected to be pathogenic. This variant is interpreted as likely pathogenic.

NM_014956.5(CEP164):c.2339C>G (p.Ser780Ter)

Gene: CEP164 (centrosomal protein 164; plus strand). Cytogenetic location: 11q23.3.
Variant type: single nucleotide variant.
Coding change: c.2339C>G on transcript NM_014956.5 (MANE Select); coding-DNA position 2339, C replaced by G.
Protein change: p.Ser780Ter; replaces serine 780 with a stop codon.
Molecular consequence: nonsense.
Genome position (GRCh38, 1-based): chr11:117,392,281, C>G. VCF-style: chr11-117392281-C-G. GRCh37 (hg19) VCF-style: chr11-117262997-C-G.
Other names: c.2348C>G, p.Ser783Ter (NM_001271933.2, NM_001440949.1); c.2339C>G, p.Ser780Ter (NM_001440950.1, NM_001440951.1, NM_001440953.1); c.2174C>G, p.Ser725Ter (NM_001440952.1, NM_001440968.1, NM_001440969.1); c.2261C>G, p.Ser754Ter (NM_001440954.1, NM_001440955.1, NM_001440958.1 and 1 more transcripts); c.2252C>G, p.Ser751Ter (NM_001440956.1, NM_001440957.1); c.2210C>G, p.Ser737Ter (NM_001440960.1); c.2201C>G, p.Ser734Ter (NM_001440961.1, NM_001440967.1); c.2192C>G, p.Ser731Ter (NM_001440962.1, NM_001440963.1, NM_001440964.1 and 4 more transcripts); and 7 more; short protein forms S705*, S783*, S655*, S731*, S751*, S754*, S635*, S661*.
Identifiers: ClinVar variation 4993741 (VCV004993741.1).
Genomic context (GRCh38, chr11:117,392,281, plus strand): 5'-CCCAGGCTGTGGCAACGCTGGAGAAGGAGCACAGTGCTGAGCTGGAGCGGCTCTGCTCCT[C>G]ATTGGAGGCCAAGCACCGGGAGGTAAGATGCAGCATCCTGGGCCCCCTTCATGGCTGATT-3'